The following is an entry in ClinVar:

NM_000264.5(PTCH1):c.1691T>A (p.Leu564Ter)

Gene: PTCH1 (patched 1; minus strand). Cytogenetic location: 9q22.32.
Variant type: single nucleotide variant.
Coding change: c.1691T>A on transcript NM_000264.5 (MANE Select); coding-DNA position 1691, T replaced by A.
Protein change: p.Leu564Ter; replaces leucine 564 with a stop codon.
Molecular consequence: nonsense. On other transcripts: non-coding transcript variant (1).
Genome position (GRCh38, 1-based): chr9:95,476,071, A>T on the plus strand (T>A on the coding strand, the complement: PTCH1 is on the minus strand). VCF-style: chr9-95476071-A-T. GRCh37 (hg19) VCF-style: chr9-98238353-A-T.
Other names: c.1493T>A, p.Leu498Ter (NM_001083602.3); c.1688T>A, p.Leu563Ter (NM_001083603.3); c.1238T>A, p.Leu413Ter (NM_001083604.3, NM_001083605.3, NM_001083606.3 and 1 more transcripts); c.1535T>A, p.Leu512Ter (NM_001354918.2); short protein forms L498*, L563*, L564*, L413*, L512*.
Identifiers: ClinVar variation 1397586 (VCV001397586.6), dbSNP rs2118251139, ClinGen allele CA374117944.
Genomic context (GRCh38, chr9:95,476,071, plus strand): 5'-AGCCTTCATCACCAGAAGCTCACCTGGAGGGAGAACGCCCGCAGAGCGGGAATTGGGATT[A>T]ACGCGGCCATGAAGAAGGCTGTGACATTGCTGATGGACGTGAGGGCCACGCTGGCTCCTG-3'

ClinVar aggregate classification (germline): Pathogenic (1 of 4 stars; one submission).

Conditions:
Gorlin syndrome. Also called: Nevoid Basal Cell Carcinoma Syndrome; Basal cell nevus syndrome. Identifiers: Orphanet 377, MedGen C0004779, MONDO:0007187.

Submission:

Labcorp Genetics (formerly Invitae), Labcorp
Classification: Pathogenic for Gorlin syndrome. Last evaluated: 2021-08-02. Review status: criteria provided, single submitter. Criteria: Invitae Variant Classification Sherloc (09022015). Collection method: clinical testing. Allele origin: germline.
Comment: For these reasons, this variant has been classified as Pathogenic. This premature translational stop signal has been observed in individual(s) with basal cell nevus syndrome (PMID: 29575684). This variant is not present in population databases (ExAC no frequency). This sequence change creates a premature translational stop signal (p.Leu564*) in the PTCH1 gene. It is expected to result in an absent or disrupted protein product. Loss-of-function variants in PTCH1 are known to be pathogenic (PMID: 16301862, 16419085).

Literature cited by the submitters: PubMed 29575684; PubMed 16301862; PubMed 16419085.